The following is an entry in ClinVar:

ClinVar aggregate classification (germline): Pathogenic. Review status: reviewed by expert panel (3 of 4 stars). 13 submissions from 13 submitters: Pathogenic (1). 12 of the submissions do not count toward it. Last evaluated 2018-07-18.
ClinVar aggregate classification (somatic clinical impact): Tier III - Unknown (0 of 4 stars; one submission).

Conditions:
Breast-ovarian cancer, familial, susceptibility to, 1 (BROVCA1). Also called: BRCA1 Hereditary Breast and Ovarian Cancer; OVARIAN CANCER, SUSCEPTIBILITY TO. Identifiers: Orphanet 145, MedGen C2676676, MONDO:0011450, OMIM 604370. Disease mechanism: loss of function.
Hereditary breast ovarian cancer syndrome. Also called: Hereditary breast and ovarian cancer syndrome; Breast and ovarian cancer; Hereditary breast and ovarian cancer syndrome (HBOC); Hereditary breast and/or ovarian cancer syndrome; BRCA1- and BRCA2-Associated Hereditary Breast and Ovarian Cancer; Hereditary breast and ovarian cancer. Identifiers: Orphanet 145, MedGen C0677776, MeSH D061325, MONDO:0003582. Disease mechanism: loss of function.
Hereditary cancer-predisposing syndrome. Also called: Neoplastic Syndromes, Hereditary; Hereditary neoplastic syndrome; Hereditary Cancer Syndrome; Tumor predisposition. Identifiers: Orphanet 140162, MedGen C0027672, MeSH D009386, MONDO:0015356.
Malignant tumor of breast. Also called: Malignant breast neoplasm; Cancer breast. Identifiers: MedGen C0006142, MONDO:0007254. Disease mechanism: loss of function.
Familial cancer of breast. Also called: Hereditary breast cancer; BREAST CANCER, FAMILIAL; hereditary breast carcinoma. Identifiers: Orphanet 227535, MedGen C0346153, MONDO:0016419, OMIM 114480. Disease mechanism: loss of function.

Allele frequency attached by ClinVar (database versions not stated): gnomAD exomes below 0.00001.
gnomAD v4.1: 2 of 1,613,796 alleles (0.00012%); highest among the groups gnomAD compares: South Asian, 0.0011%; no homozygotes.

Submissions 1 to 10 of 15:

Evidence-based Network for the Interpretation of Germline Mutant Alleles (ENIGMA)
Classification: Pathogenic for Breast-ovarian cancer, familial, susceptibility to, 1. Last evaluated: 2018-07-18. Review status: reviewed by expert panel. Criteria: ENIGMA BRCA1/2 Classification Criteria (2017-06-29). Collection method: curation. Allele origin: germline.
Comment: IARC class based on posterior probability from multifactorial likelihood analysis, thresholds for class as per Plon et al. 2008 (PMID: 18951446). Class 5 Pathogenic based on posterior probability = 0.999.

Labcorp Genetics (formerly Invitae), Labcorp
Classification: Pathogenic for Hereditary breast ovarian cancer syndrome. Last evaluated: 2025-09-10. Review status: criteria provided, single submitter. Criteria: Invitae Variant Classification Sherloc (09022015). Collection method: clinical testing. Allele origin: germline. Not counted in ClinVar's aggregate classification.
Comment: This sequence change replaces glycine, which is neutral and non-polar, with valine, which is neutral and non-polar, at codon 1770 of the BRCA1 protein (p.Gly1770Val). This variant is not present in population databases (gnomAD no frequency). This missense change has been observed in individual(s) with personal and/or family history of breast and/or ovarian cancer (PMID: 23613828, 26864382, 29339979). It is commonly reported in individuals of Moroccan ancestry (PMID: 26864382). ClinVar contains an entry for this variant (Variation ID: 417832). Invitae Evidence Modeling incorporating data from in vitro experimental studies (PMID: 30209399) indicates that this missense variant is expected to disrupt BRCA1 function with a positive predictive value of 95%. Experimental studies have shown that this missense change affects BRCA1 function (PMID: 23613828, 23867111, 30209399, 30458859). For these reasons, this variant has been classified as Pathogenic.

Center for Genomic Medicine, Rigshospitalet, Copenhagen University Hospital
Classification: Pathogenic. Last evaluated: 2025-03-04. Review status: criteria provided, single submitter. Criteria: ACMG Guidelines, 2015. Collection method: clinical testing. Allele origin: germline. Not counted in ClinVar's aggregate classification.

GeneDx
Classification: Pathogenic. Last evaluated: 2025-01-16. Review status: criteria provided, single submitter. Criteria: GeneDx Variant Classification Process June 2021. Collection method: clinical testing. Allele origin: germline. Affected: yes. Not counted in ClinVar's aggregate classification.
Comment: In silico analysis supports that this missense variant has a deleterious effect on protein structure/function; Not observed at significant frequency in large population cohorts (gnomAD); Also known as 5428G>T; This variant is associated with the following publications: (PMID: 23613828, 26864382, 29339979, 30105462, 23867111, 30257991, 34597585, 30765603, 35665744, 38575974, 37852034, 35096615, 35662281, 35216584, 34906479, 34749799, 31336956, 32025337, 29884841, 31076742, 32377563, 33087888, 36530327, Mansouri2020[article], 35165121, 31368036, 35300412, 38038783, 30209399, 30458859, Mounjid2022[article], 35578052, 37444530, 34981296, 37055759, 25348405)

German Consortium for Hereditary Breast and Ovarian Cancer, University Hospital Cologne
Classification: Pathogenic for Hereditary breast ovarian cancer syndrome. Last evaluated: 2024-11-11. Review status: criteria provided, single submitter. Criteria: ClinGen BRCA1 V1.1.0. Collection method: curation. Allele origin: germline. Not counted in ClinVar's aggregate classification.
Comment: According to the ClinGen ENIGMA BRCA1 v1.1.0 criteria we chose these criteria: PM2 (supporting pathogenic): not in gnomAD, PP3 (supporting pathogenic): BayesDEL: 0.366249 , PP4 (very strong pathogenic): Caputo 2021 AJHG Combined (Caputo LR/ACMG LLR) 17100000000000000 / 51.03699 Co-segregation (Caputo LR/ACMG LLR) 3668.96 / 11.207 Co-occurrence (Caputo LR/ACMG LLR) NA / NA Family history (Caputo LR/ACMG LLR) 2.48 / 1.2401 Pathology (Caputo LR/ACMG LLR) 56000000000 / 33.7926

MGZ Medical Genetics Center
Classification: Pathogenic for Breast-ovarian cancer, familial, susceptibility to, 1. Last evaluated: 2022-02-24. Review status: criteria provided, single submitter. Criteria: ACMG Guidelines, 2015. Collection method: clinical testing. Allele origin: germline. Affected: yes. Observed: 1 variant allele. Not counted in ClinVar's aggregate classification.
Comment: ACMG criteria applied: PS3, PS4, PM2_SUP, PP3

Ambry Genetics
Classification: Pathogenic for Hereditary cancer-predisposing syndrome. Last evaluated: 2021-07-22. Review status: criteria provided, single submitter. Criteria: Ambry Variant Classification Scheme 2023. Collection method: clinical testing. Allele origin: germline. Not counted in ClinVar's aggregate classification.
Comment: The p.G1770V pathogenic mutation (also known as c.5309G>T), located in coding exon 19 of the BRCA1 gene, results from a G to T substitution at nucleotide position 5309. The glycine at codon 1770 is replaced by valine, an amino acid with dissimilar properties. This alteration has been reported in multiple individuals with personal and/or family history consistent with hereditary breast and ovarian cancer (HBOC) syndrome (Heramb C et al. Hered Cancer Clin Pract. 2018 Jan;16:3; Bernstein-Molho R et al. Breast Cancer Res Treat. 2019 Nov;178:231-237) and has been described as a Moroccan founder mutation based on haplotype analysis (Quiles F et al. Clin. Genet. 2016 Oct;90:361-5). Functional studies have shown this alteration results in dramatically compromised transcriptional activity (Quiles F et al. PLoS ONE. 2013 Apr;8:e61302) as well as protein levels consistent with a deleterious mutation based on a cisplatin sensitivity assay (Bouwman P et al. Cancer Discov. 2013 Oct;3:1142-55). One functional study found that this nucleotide substitution is deleterious in a high throughput genome editing haploid cell survival assay (Findlay GM et al. Nature. 2018 10;562(7726):217-222). Co-segregation analysis determined this alteration has a likelihood ratio of 101:1 in favor of pathogenicity (Tudini E. et al. Breast Cancer Res. Treat. 2018 Nov;172(2):497-503). A structural analysis study suggests that this alteration results in significant alteration of BRCT structure compromising binding (Quiles F et al. PLoS ONE. 2013 Apr;8:e61302). This variant is considered to be rare based on population cohorts in the Genome Aggregation Database (gnomAD). This amino acid position is well conserved in available vertebrate species. In addition, this alteration is predicted to be deleterious by in silico analysis. Based on the supporting evidence, this alteration is interpreted as a disease-causing mutation.

Department of Medical Genetics, Oslo University Hospital
Classification: Likely pathogenic for Breast-ovarian cancer, familial, susceptibility to, 1. Last evaluated: 2016-03-10. Review status: criteria provided, single submitter. Criteria: ACMG Guidelines, 2015. Collection method: clinical testing. Allele origin: germline. Affected: yes. Observed: 6 variant alleles. Not counted in ClinVar's aggregate classification.

BRCAlab, Lund University
Classification: Pathogenic for Breast-ovarian cancer, familial, susceptibility to, 1. Last evaluated: 2020-03-02. Review status: no assertion criteria provided. Collection method: clinical testing. Allele origin: germline. Affected: yes. Not counted in ClinVar's aggregate classification.

Brotman Baty Institute, University of Washington
No classification provided (evidence only). Condition: Breast-ovarian cancer, familial 1. Review status: no classification provided. Collection method: in vitro. Allele origin: not applicable. Functional consequence: functionally_abnormal. Not counted in ClinVar's aggregate classification.
ClinVar note: "not provided" was previously submitted as the classification for the variant. However, the classification appeared to be based only on an observation of functional data so it was converted to no classification on 2025-07-30.

NM_007294.4(BRCA1):c.5309G>T (p.Gly1770Val)

Gene: BRCA1 (BRCA1 DNA repair associated; minus strand). Cytogenetic location: 17q21.31.
Variant type: single nucleotide variant.
Coding change: c.5309G>T on transcript NM_007294.4 (MANE Select); coding-DNA position 5309, G replaced by T.
Protein change: p.Gly1770Val; replaces glycine 1770 with valine.
Molecular consequence: missense variant. On other transcripts: non-coding transcript variant (1).
Genome position (GRCh38, 1-based): chr17:43,051,086, C>A on the plus strand (G>T on the coding strand, the complement: BRCA1 is on the minus strand). VCF-style: chr17-43051086-C-A. GRCh37 (hg19) VCF-style: chr17-41203103-C-A.
Other names: c.5096G>T, p.Gly1699Val (NM_001407571.1, NM_001407902.1, NM_001407904.1 and 12 more transcripts); c.5375G>T, p.Gly1792Val (NM_001407581.1, NM_001407582.1); c.5372G>T, p.Gly1791Val (NM_001407583.1, NM_001407585.1, NM_001407587.1 and 1 more transcripts); c.5306G>T, p.Gly1769Val (NM_001407610.1, NM_001407611.1, NM_001407612.1 and 17 more transcripts); c.5303G>T, p.Gly1768Val (NM_001407629.1, NM_001407630.1, NM_001407631.1 and 14 more transcripts); c.5249G>T, p.Gly1750Val (NM_001407649.1); c.5231G>T, p.Gly1744Val (NM_001407652.1, NM_001407653.1, NM_001407654.1 and 1 more transcripts); c.5228G>T, p.Gly1743Val (NM_001407656.1, NM_001407657.1, NM_001407658.1); and 72 more; short protein forms G1770V, G1791V, G1723V, G666V, G1474V, G1601V, G1616V, G1641V.
Identifiers: ClinVar variation 417832 (VCV000417832.29), dbSNP rs863224765, ClinGen allele CA10590929.